The following is an entry in ClinVar:

NM_170707.4(LMNA):c.1943T>G (p.Leu648Arg)

Gene: LMNA (lamin A/C; plus strand). Cytogenetic location: 1q22.
Variant type: single nucleotide variant.
Coding change: c.1943T>G on transcript NM_170707.4 (MANE Select); coding-DNA position 1943, T replaced by G.
Protein change: p.Leu648Arg; replaces leucine 648 with arginine.
Molecular consequence: missense variant. On other transcripts: intron variant (1).
Genome position (GRCh38, 1-based): chr1:156,138,732, T>G. VCF-style: chr1-156138732-T-G. GRCh37 (hg19) VCF-style: chr1-156108523-T-G.
Other names: c.1607T>G, p.Leu536Arg (NM_001257374.3); c.1853T>G, p.Leu618Arg (NM_170708.4); c.1818+125T>G (NM_001282626.2); short protein forms L536R, L618R, L648R.
Identifiers: ClinVar variation 928383 (VCV000928383.6), dbSNP rs1651880438, ClinGen allele CA342828110.

ClinVar aggregate classification (germline): Uncertain significance. Review status: criteria provided, multiple submitters, no conflicts (2 of 4 stars). 2 submissions from 2 submitters: Uncertain significance (2). Last evaluated 2025-10-27.

Conditions:
Cardiomyopathy (CMYO). Also called: Cardiomyopathies. Identifiers: Orphanet 167848, MedGen C0878544, MONDO:0004994, HP:0001638. Inheritance: Various modes of inheritance.
Charcot-Marie-Tooth disease type 2. Also called: Charcot-Marie-Tooth type 2. Identifiers: Orphanet 64746, MedGen C0270914, MONDO:0018993.

Allele frequency attached by ClinVar (database versions not stated): TOPMed below 0.00001; gnomAD exomes below 0.00001.
gnomAD v4.1: 2 of 1,613,414 alleles (0.00012%); highest among the groups gnomAD compares: Non-Finnish European, 0.00017%; no homozygotes.

Submissions (2):

Labcorp Genetics (formerly Invitae), Labcorp
Classification: Uncertain significance for Charcot-Marie-Tooth disease type 2. Last evaluated: 2025-10-27. Review status: criteria provided, single submitter. Criteria: Invitae Variant Classification Sherloc (09022015). Collection method: clinical testing. Allele origin: germline.
Comment: This sequence change replaces leucine, which is neutral and non-polar, with arginine, which is basic and polar, at codon 648 of the LMNA protein (p.Leu648Arg). This variant is not present in population databases (gnomAD no frequency). This variant has not been reported in the literature in individuals affected with LMNA-related conditions. ClinVar contains an entry for this variant (Variation ID: 928383). Invitae Evidence Modeling of protein sequence and biophysical properties (such as structural, functional, and spatial information, amino acid conservation, physicochemical variation, residue mobility, and thermodynamic stability) has been performed for this missense variant. However, the output from this modeling did not meet the statistical confidence thresholds required to predict the impact of this variant on LMNA protein function. Experimental studies have shown that this missense change affects LMNA function (PMID: 15843404). In summary, the available evidence is currently insufficient to determine the role of this variant in disease. Therefore, it has been classified as a Variant of Uncertain Significance.

Color Diagnostics, LLC DBA Color Health
Classification: Uncertain significance for Cardiomyopathy. Last evaluated: 2023-12-04. Review status: criteria provided, single submitter. Criteria: ACMG Guidelines, 2015. Collection method: clinical testing. Allele origin: germline.
Comment: Variant of Uncertain Significance due to insufficient evidence: This missense variant replaces leucine with arginine at codon 648 of the LMNA protein. Computational prediction tools and conservation analyses are inconclusive regarding the impact of this variant on the protein function. Computational splicing tools suggest that this variant may not impact RNA splicing. To our knowledge, functional assays have not been performed for this variant nor has this variant been reported in individuals affected with cardiovascular disorders in the literature. This variant has not been identified in the general population by the Genome Aggregation Database (gnomAD). Available evidence is insufficient to determine the role of this variant in disease conclusively.

Literature cited by the submitters: PubMed 15843404 (cited by Labcorp Genetics (formerly Invitae), Labcorp).